The following is an entry in ClinVar:

NM_005609.4(PYGM):c.1673dup (p.Asn559fs)

Gene: PYGM (glycogen phosphorylase, muscle associated; minus strand). Cytogenetic location: 11q13.1.
Variant type: Duplication.
Coding change: c.1673dup on transcript NM_005609.4 (MANE Select); coding-DNA position 1673, one base duplicated (T; older notation c.1673dupT).
Protein change: p.Asn559fs; shifts the reading frame from asparagine 559.
Molecular consequence: frameshift variant.
Genome position (GRCh38, 1-based): chr11:64,752,019, A duplicated on the plus strand (T on the coding strand, the reverse complement: PYGM is on the minus strand). VCF-style (leftmost placement, unchanged base first): chr11-64752018-G-GA. GRCh37 (hg19) VCF-style: chr11-64519490-G-GA.
Other names: c.1409dup, p.Asn471fs (NM_001164716.1); short protein forms N471fs, N559fs.
Identifiers: ClinVar variation 2894408 (VCV002894408.3), dbSNP rs1354208416, ClinGen allele CA599653163.

ClinVar aggregate classification (germline): Pathogenic (1 of 4 stars; one submission).

Conditions:
Glycogen storage disease, type V (GSD5). Also called: MYOPHOSPHORYLASE DEFICIENCY; PYGM DEFICIENCY; McArdle type glycogen storage disease; MCARDLE DISEASE; MUSCLE GLYCOGEN PHOSPHORYLASE DEFICIENCY. Identifiers: Orphanet 368, MedGen C0017924, MONDO:0009293, OMIM 232600.

Allele frequency attached by ClinVar (database versions not stated): gnomAD 0.00001.

Submission:

Labcorp Genetics (formerly Invitae), Labcorp
Classification: Pathogenic for Glycogen storage disease, type V. Last evaluated: 2023-08-23. Review status: criteria provided, single submitter. Criteria: Invitae Variant Classification Sherloc (09022015). Collection method: clinical testing. Allele origin: germline.
Comment: This sequence change creates a premature translational stop signal (p.Asn559Glnfs*17) in the PYGM gene. It is expected to result in an absent or disrupted protein product. Loss-of-function variants in PYGM are known to be pathogenic (PMID: 8316268, 16786513). This variant is present in population databases (no rsID available, gnomAD 0.01%). This variant has not been reported in the literature in individuals affected with PYGM-related conditions. For these reasons, this variant has been classified as Pathogenic.

Literature cited by the submitters: PubMed 8316268; PubMed 16786513.